The following is an entry in ClinVar:

NM_001130004.2(ACTN1):c.620C>T (p.Thr207Met)

Gene: ACTN1 (actinin alpha 1; minus strand). Cytogenetic location: 14q24.1.
Variant type: single nucleotide variant.
Coding change: c.620C>T on transcript NM_001130004.2 (MANE Select); coding-DNA position 620, C replaced by T.
Protein change: p.Thr207Met; replaces threonine 207 with methionine.
Molecular consequence: missense variant. On other transcripts: 5 prime UTR variant (1).
Genome position (GRCh38, 1-based): chr14:68,904,711, G>A on the plus strand (C>T on the coding strand, the complement: ACTN1 is on the minus strand). VCF-style: chr14-68904711-G-A. GRCh37 (hg19) VCF-style: chr14-69371428-G-A.
Other names: c.620C>T, p.Thr207Met (NM_001102.4, NM_001130005.2, NM_001411035.1 and 9 more transcripts); c.425C>T, p.Thr142Met (NM_001411036.1, NM_001424026.1, NM_001424028.1); c.746C>T, p.Thr249Met (NM_001424013.1); c.707C>T, p.Thr236Met (NM_001424015.1); c.617C>T, p.Thr206Met (NM_001424017.1); c.557C>T, p.Thr186Met (NM_001424018.1, NM_001424020.1, NM_001424022.1); c.551C>T, p.Thr184Met (NM_001424021.1); c.-291C>T (NM_001424030.1); short protein forms T207M, T206M, T236M, T186M, T249M, T142M, T184M.
Identifiers: ClinVar variation 4720210 (VCV004720210.1).

ClinVar aggregate classification (germline): Uncertain significance (1 of 4 stars; one submission).

gnomAD v4.1: 15 of 1,613,858 alleles (0.00093%); highest among the groups gnomAD compares: East Asian, 0.0022%; no homozygotes.

Submission:

Labcorp Genetics (formerly Invitae), Labcorp
Classification: Uncertain significance. Last evaluated: 2025-10-29. Review status: criteria provided, single submitter. Criteria: Invitae Variant Classification Sherloc (09022015). Collection method: clinical testing. Allele origin: germline.
Comment: This sequence change replaces threonine, which is neutral and polar, with methionine, which is neutral and non-polar, at codon 207 of the ACTN1 protein (p.Thr207Met). This variant is present in population databases (rs759486581, gnomAD 0.006%). This variant has not been reported in the literature in individuals affected with ACTN1-related conditions. Invitae Evidence Modeling of protein sequence and biophysical properties (such as structural, functional, and spatial information, amino acid conservation, physicochemical variation, residue mobility, and thermodynamic stability) indicates that this missense variant is not expected to disrupt ACTN1 protein function with a negative predictive value of 80%. In summary, the available evidence is currently insufficient to determine the role of this variant in disease. Therefore, it has been classified as a Variant of Uncertain Significance.